The following is an entry in ClinVar:

ClinVar aggregate classification (germline): Likely benign (0 of 4 stars; one submission).

Conditions:
CLMN-related disorder. Also called: CLMN-related condition.

gnomAD v4.1: 14 of 1,612,398 alleles (0.00087%); highest among the groups gnomAD compares: Middle Eastern, 0.082%; 1 homozygote.

Submission:

PreventionGenetics, part of Exact Sciences
Classification: Likely benign for CLMN-related condition. Last evaluated: 2019-06-27. Review status: no assertion criteria provided. Collection method: clinical testing. Allele origin: germline.
Comment: This variant is classified as likely benign based on ACMG/AMP sequence variant interpretation guidelines (Richards et al. 2015 PMID: 25741868, with internal and published modifications).

NM_024734.4(CLMN):c.462C>T (p.Ser154=)

Gene: CLMN (calmin; minus strand). Cytogenetic location: 14q32.13.
Variant type: single nucleotide variant.
Coding change: c.462C>T on transcript NM_024734.4 (MANE Select); coding-DNA position 462, C replaced by T.
Protein change: p.Ser154=; no amino-acid change (serine 154 retained).
Molecular consequence: synonymous variant.
Genome position (GRCh38, 1-based): chr14:95,213,365, G>A on the plus strand (C>T on the coding strand, the complement: CLMN is on the minus strand). VCF-style: chr14-95213365-G-A. GRCh37 (hg19) VCF-style: chr14-95679702-G-A.
Identifiers: ClinVar variation 3351689 (VCV003351689.1).